The following is an entry in ClinVar:

NM_198525.3(KIF7):c.1700C>T (p.Pro567Leu)

Gene: KIF7 (kinesin family member 7; minus strand). Cytogenetic location: 15q26.1.
Variant type: single nucleotide variant.
Coding change: c.1700C>T on transcript NM_198525.3 (MANE Select); coding-DNA position 1700, C replaced by T.
Protein change: p.Pro567Leu; replaces proline 567 with leucine.
Molecular consequence: missense variant.
Genome position (GRCh38, 1-based): chr15:89,646,918, G>A on the plus strand (C>T on the coding strand, the complement: KIF7 is on the minus strand). VCF-style: chr15-89646918-G-A. GRCh37 (hg19) VCF-style: chr15-90190149-G-A.
Other names: short protein forms P567L.
Identifiers: ClinVar variation 1719671 (VCV001719671.6), dbSNP rs1353389253, ClinGen allele CA393767437.
Genomic context (GRCh38, chr15:89,646,918, plus strand): 5'-TCTCCAGGGAGGCAGGCAGGCGGCACCATGCCCAGCACATGGGCGTGGGCACCCCCCAGG[G>A]GGGCTGTATGAGGTCGAGGCACAAAGGACCCGGGAGGCAGGCCATTCAGGAGCCGCGGGC-3'
Protein context (NP_940927.2, residues 557-577): GSFVPRPHTA[Pro567Leu]LGGAHAHVLG

ClinVar aggregate classification (germline): Uncertain significance. Review status: criteria provided, multiple submitters, no conflicts (2 of 4 stars). 2 submissions from 2 submitters: Uncertain significance (2). Last evaluated 2026-01-12.

Conditions:
Acrocallosal syndrome (ACLS). Also called: HALLUX DUPLICATION, POSTAXIAL POLYDACTYLY, AND ABSENCE OF CORPUS CALLOSUM; Schinzel syndrome 1; Absence of corpus callosum with unusual facial appearance, mental deficiency, duplication of the halluces and polydactyly. Identifiers: Orphanet 36, MedGen C0796147, MONDO:0008708, OMIM 200990.

Allele frequency attached by ClinVar (database versions not stated): gnomAD exomes 0.00001.

Submissions (2):

Labcorp Genetics (formerly Invitae), Labcorp
Classification: Uncertain significance for Acrocallosal syndrome. Last evaluated: 2026-01-12. Review status: criteria provided, single submitter. Criteria: Invitae Variant Classification Sherloc (09022015). Collection method: clinical testing. Allele origin: germline.
Comment: This sequence change replaces proline, which is neutral and non-polar, with leucine, which is neutral and non-polar, at codon 567 of the KIF7 protein (p.Pro567Leu). This variant is present in population databases (no rsID available, gnomAD 0.0009%). This variant has not been reported in the literature in individuals affected with KIF7-related conditions. ClinVar contains an entry for this variant (Variation ID: 1719671). Invitae Evidence Modeling of protein sequence and biophysical properties (such as structural, functional, and spatial information, amino acid conservation, physicochemical variation, residue mobility, and thermodynamic stability) has been performed for this missense variant. However, the output from this modeling did not meet the statistical confidence thresholds required to predict the impact of this variant on KIF7 protein function. In summary, the available evidence is currently insufficient to determine the role of this variant in disease. Therefore, it has been classified as a Variant of Uncertain Significance.

Blueprint Genetics
Classification: Uncertain significance. Last evaluated: 2024-11-05. Review status: criteria provided, single submitter. Criteria: ACMG Guidelines, 2015. Collection method: clinical testing. Allele origin: germline.